The following is an entry in ClinVar:

NM_001999.4(FBN2):c.7841-17C>T

Gene: FBN2 (fibrillin 2; minus strand). Cytogenetic location: 5q23.3.
Variant type: single nucleotide variant.
Coding change: c.7841-17C>T on transcript NM_001999.4 (MANE Select); 17 bases into the intron before coding-DNA position 7841, C replaced by T.
Molecular consequence: intron variant.
Genome position (GRCh38, 1-based): chr5:128,272,135, G>A on the plus strand (C>T on the coding strand, the complement: FBN2 is on the minus strand). VCF-style: chr5-128272135-G-A. GRCh37 (hg19) VCF-style: chr5-127607827-G-A.
Identifiers: ClinVar variation 377871 (VCV000377871.12), dbSNP rs371643668, ClinGen allele CA3393995.
Genomic context (GRCh38, chr5:128,272,135, plus strand): 5'-GCAGCCGTGTTGGCACCTGTGGTTCCCATCACATTCATCAACATCTGCAAAAACAAGCCC[G>A]GCAAAACCTTTATGTCACCTTTCTTCTACTATTTTTAAATGCACTCCAAACGAAACCTGG-3'

ClinVar aggregate classification (germline): Benign/Likely benign. Review status: criteria provided, multiple submitters, no conflicts (2 of 4 stars). 5 submissions from 5 submitters: Benign (2); Likely benign (3). Last evaluated 2026-02-01.

Conditions:
Congenital contractural arachnodactyly (CCA). Also called: Arthrogryposis, distal, type 9; BEALS SYNDROME; Beals-Hecht syndrome. Identifiers: Orphanet 115, MedGen C0220668, MONDO:0007363, OMIM 121050.

Allele frequency attached by ClinVar (database versions not stated): gnomAD exomes 0.00009 and 0.00010; ExAC 0.00011; TOPMed 0.00011; gnomAD 0.00014 and 0.00015; ESP Exome Variant Server 0.00023.
gnomAD v4.1: 163 of 1,613,656 alleles (0.01%); highest among the groups gnomAD compares: Non-Finnish European, 0.012%; no homozygotes.

Submissions (5):

Labcorp Genetics (formerly Invitae), Labcorp
Classification: Likely benign for Congenital contractural arachnodactyly. Last evaluated: 2026-02-01. Review status: criteria provided, single submitter. Criteria: Invitae Variant Classification Sherloc (09022015). Collection method: clinical testing. Allele origin: germline.

Blueprint Genetics
Classification: Likely benign. Last evaluated: 2024-11-26. Review status: criteria provided, single submitter. Criteria: ACMG Guidelines, 2015. Collection method: clinical testing. Allele origin: germline.

ARUP Laboratories, Molecular Genetics and Genomics, ARUP Laboratories
Classification: Likely benign. Last evaluated: 2023-12-11. Review status: criteria provided, single submitter. Criteria: ARUP Molecular Germline Variant Investigation Process 2024. Collection method: clinical testing. Allele origin: germline.

Women's Health and Genetics/Laboratory Corporation of America, LabCorp
Classification: Benign. Last evaluated: 2023-07-30. Review status: criteria provided, single submitter. Criteria: LabCorp Variant Classification Summary - May 2015. Collection method: clinical testing. Allele origin: germline.

GeneDx
Classification: Benign. Last evaluated: 2016-10-18. Review status: criteria provided, single submitter. Criteria: GeneDx Variant Classification (06012015). Collection method: clinical testing. Allele origin: germline. Affected: yes.
Comment: This variant is considered likely benign or benign based on one or more of the following criteria: it is a conservative change, it occurs at a poorly conserved position in the protein, it is predicted to be benign by multiple in silico algorithms, and/or has population frequency not consistent with disease.